The following is an entry in ClinVar:

ClinVar aggregate classification (germline): Uncertain significance (1 of 4 stars; one submission).

Submission:

GeneDx
Classification: Uncertain significance. Last evaluated: 2023-05-26. Review status: criteria provided, single submitter. Criteria: GeneDx Variant Classification Process June 2021. Collection method: clinical testing. Allele origin: germline. Affected: yes.
Comment: Has not been previously published as pathogenic or benign to our knowledge; Not observed at significant frequency in large population cohorts (gnomAD); Canonical splice site variant in a gene or region of a gene for which loss of function is not a well-established mechanism of disease; This variant is associated with the following publications: (PMID: 25370473, 22753777, 19156172, 26399658, 22177953, 29493581)

NM_002755.4(MAP2K1):c.438+1_438+5del

Gene: MAP2K1 (mitogen-activated protein kinase kinase 1; plus strand). Cytogenetic location: 15q22.31.
Variant type: Deletion.
Coding change: c.438+1_438+5del on transcript NM_002755.4 (MANE Select); the canonical splice donor site of the intron after coding-DNA position 438 through 5 bases into the intron after coding-DNA position 438, 5 bases deleted (GTATG; older notation c.438+1_438+5delGTATG).
Molecular consequence: splice donor variant.
Genome position (GRCh38, 1-based): chr15:66,436,893-66,436,897, GTATG deleted; deleting any 5 consecutive bases within chr15:66,436,890-66,436,897 gives the same sequence; the c. name uses the placement nearest the transcript's 3' end. VCF-style (leftmost placement, unchanged base first): chr15-66436889-CATGGT-C. GRCh37 (hg19) VCF-style: chr15-66729227-CATGGT-C.
Identifiers: ClinVar variation 1704022 (VCV001704022.3), dbSNP rs2545054213, ClinGen allele CA2580089886.
Genomic context (GRCh38, chr15:66,436,889, plus strand): 5'-CATCGTGGGCTTCTATGGTGCGTTCTACAGCGATGGCGAGATCAGTATCTGCATGGAGCA[CATGGT>C]ATGTGACACCCTCTCAGCCTCTGGAGCAATGGCCTTAAGAGTTGGGTGGCTCTGGCCTAA-3'